The following is an entry in ClinVar:

ClinVar aggregate classification (germline): Uncertain significance (1 of 4 stars; one submission).

Submission:

GeneDx
Classification: Uncertain significance. Last evaluated: 2014-06-24. Review status: criteria provided, single submitter. Criteria: GeneDx Variant Classification (06012015). Collection method: clinical testing. Allele origin: germline. Affected: yes.
Comment: p.Pro427His (CCC>CAC): c.1280 C>A in exon 13 of the CACNB4 gene (NM_000726.2). The P427H variant has not been published as a mutation, nor has it been reported as a benign polymorphism to our knowledge. It was not observed in approximately 6,200 individuals of European and African American ancestry in the NHLBI Exome Sequencing Project, indicating it is not a common benign variant in these populations. The P427H variant is a non-conservative amino acid substitution, which is likely to impact secondary protein structure as these residues differ in polarity, charge, size and/or other properties. This substitution occurs at a position that is conserved across species. In silico analysis predicts this variant is probably damaging to the protein structure/function. However, missense mutations in nearby residues have not been reported. Therefore, based on the currently available information, it is unclear whether this variant is a pathogenic mutation or a rare benign variant. The variant is found in EPILEPSY panel(s).

NM_000726.5(CACNB4):c.1280C>A (p.Pro427His)

Gene: CACNB4 (calcium voltage-gated channel auxiliary subunit beta 4; minus strand). Cytogenetic location: 2q23.3.
Variant type: single nucleotide variant.
Coding change: c.1280C>A on transcript NM_000726.5 (MANE Select); coding-DNA position 1280, C replaced by A.
Protein change: p.Pro427His; replaces proline 427 with histidine.
Molecular consequence: missense variant. On other transcripts: intron variant (1).
Genome position (GRCh38, 1-based): chr2:151,841,925, G>T on the plus strand (C>A on the coding strand, the complement: CACNB4 is on the minus strand). VCF-style: chr2-151841925-G-T. GRCh37 (hg19) VCF-style: chr2-152698439-G-T.
Other names: p.P427H:CCC>CAC; c.1139C>A, p.Pro380His (NM_001330118.2, NM_001320722.3); c.1117-2546C>A (NM_001145798.2); c.1226C>A, p.Pro409His (NM_001005746.4); c.1178C>A, p.Pro393His (NM_001005747.4); c.1037C>A, p.Pro346His (NM_001330113.2); c.626C>A, p.Pro209His (NM_001330114.2); c.989C>A, p.Pro330His (NM_001330115.2); and 2 more; short protein forms P427H, P209H, P393H, P380H, P330H, P409H, P241H, P317H.
Identifiers: ClinVar variation 204932 (VCV000204932.2), dbSNP rs796052290, ClinGen allele CA313391.